The following is an entry in ClinVar:

ClinVar aggregate classification (germline): Uncertain significance (1 of 4 stars; one submission).

Submission:

GeneDx
Classification: Uncertain significance. Last evaluated: 2023-08-18. Review status: criteria provided, single submitter. Criteria: GeneDx Variant Classification Process June 2021. Collection method: clinical testing. Allele origin: germline. Affected: yes.
Comment: Has not been previously published as pathogenic or benign to our knowledge; Not observed at significant frequency in large population cohorts (gnomAD); In silico analysis supports that this missense variant has a deleterious effect on protein structure/function

NM_001005388.3(NFASC):c.902T>A (p.Leu301Gln)

Gene: NFASC (neurofascin; plus strand). Cytogenetic location: 1q32.1.
Variant type: single nucleotide variant.
Coding change: c.902T>A on transcript NM_001005388.3 (MANE Select); coding-DNA position 902, T replaced by A.
Protein change: p.Leu301Gln; replaces leucine 301 with glutamine.
Molecular consequence: missense variant. On other transcripts: non-coding transcript variant (1).
Genome position (GRCh38, 1-based): chr1:204,968,881, T>A. VCF-style: chr1-204968881-T-A. GRCh37 (hg19) VCF-style: chr1-204938009-T-A.
Other names: c.902T>A, p.Leu301Gln (NM_001005389.2, NM_001378329.1); c.935T>A, p.Leu312Gln (NM_001160331.2, NM_001160332.2, NM_001365986.1 and 3 more transcripts); c.884T>A, p.Leu295Gln (NM_001160333.2); short protein forms L295Q, L301Q, L312Q.
Identifiers: ClinVar variation 3252339 (VCV003252339.1), dbSNP rs2548391703.